The following is an entry in ClinVar:

ClinVar aggregate classification (germline): Uncertain significance (1 of 4 stars; one submission).

Submission:

Labcorp Genetics (formerly Invitae), Labcorp
Classification: Uncertain significance. Last evaluated: 2021-07-07. Review status: criteria provided, single submitter. Criteria: Invitae Variant Classification Sherloc (09022015). Collection method: clinical testing. Allele origin: germline.
Comment: This variant is not present in population databases (ExAC no frequency). This sequence change replaces valine with phenylalanine at codon 151 of the LOX protein (p.Val151Phe). The valine residue is weakly conserved and there is a small physicochemical difference between valine and phenylalanine. Algorithms developed to predict the effect of missense changes on protein structure and function are either unavailable or do not agree on the potential impact of this missense change (SIFT: "Not Available"; PolyPhen-2: "Benign"; Align-GVGD: "Not Available"). This variant has not been reported in the literature in individuals affected with LOX-related conditions. In summary, the available evidence is currently insufficient to determine the role of this variant in disease. Therefore, it has been classified as a Variant of Uncertain Significance.

NM_002317.7(LOX):c.451G>T (p.Val151Phe)

Genes: LOX (lysyl oxidase; minus strand), SRFBP1 (serum response factor binding protein 1; plus strand). Cytogenetic location: 5q23.1.
Variant type: single nucleotide variant.
Coding change: c.451G>T on transcript NM_002317.7 (MANE Select); coding-DNA position 451, G replaced by T.
Protein change: p.Val151Phe; replaces valine 151 with phenylalanine.
Molecular consequence: missense variant.
Genome position (GRCh38, 1-based): chr5:122,077,535, C>A on the plus strand (G>T on the coding strand, the complement: LOX is on the minus strand). VCF-style: chr5-122077535-C-A. GRCh37 (hg19) VCF-style: chr5-121413230-C-A.
Other names: short protein forms V151F.
Identifiers: ClinVar variation 1365213 (VCV001365213.8), dbSNP rs2152591347, ClinGen allele CA360876155.
Genomic context (GRCh38, chr5:122,077,535, plus strand): 5'-GGTCGTCGCCCACCATGCCGTCCACGCGGCTGGGCGGCCGCAGGTTACTGAGCGCAGGAA[C>A]TTCTCCCGGCGCTGTCTGGTTCTCCGCGCGCGAGGCGCCAGCTTCGCGGGCTCTAGATGT-3'
Protein context (NP_002308.2, residues 141-161): RAENQTAPGE[Val151Phe]PALSNLRPPS